The following is an entry in ClinVar:

NM_005359.6(SMAD4):c.10_11del (p.Met4fs)

Gene: SMAD4 (SMAD family member 4; plus strand). Cytogenetic location: 18q21.2.
Variant type: Microsatellite.
Coding change: c.10_11del on transcript NM_005359.6 (MANE Select); coding-DNA positions 10 to 11, 2 bases deleted (AT; older notation c.10_11delAT).
Protein change: p.Met4fs; shifts the reading frame from methionine 4.
Molecular consequence: frameshift variant.
Genome position (GRCh38, 1-based): chr18:51,047,056-51,047,057, AT deleted; deleting any 2 consecutive bases within chr18:51,047,054-51,047,057 gives the same sequence; the c. name uses the placement nearest the transcript's 3' end. VCF-style (leftmost placement, unchanged base first): chr18-51047053-AAT-A. GRCh37 (hg19) VCF-style: chr18-48573423-AAT-A.
Other names: c.10_11delAT (NM_005359.5); short protein forms M4fs.
Identifiers: ClinVar variation 423519 (VCV000423519.3), dbSNP rs1064796471, ClinGen allele CA16620698.

ClinVar aggregate classification (germline): Conflicting classifications of pathogenicity. Review status: criteria provided, conflicting classifications (1 of 4 stars). 2 submissions from 2 submitters: Likely pathogenic (1); Uncertain significance (1). Last evaluated 2023-12-05.

Conditions:
Hereditary cancer-predisposing syndrome. Also called: Hereditary neoplastic syndrome; Neoplastic Syndromes, Hereditary; Tumor predisposition; Hereditary Cancer Syndrome. Identifiers: Orphanet 140162, MedGen C0027672, MeSH D009386, MONDO:0015356.
Familial thoracic aortic aneurysm and aortic dissection (TAAD). Also called: Thoracic aortic aneurysms and dissections. Identifiers: Orphanet 91387, MedGen C4707243, MONDO:0019625.

Submissions (2):

Ambry Genetics
Classification: Uncertain significance for Hereditary cancer-predisposing syndrome; Familial thoracic aortic aneurysm and aortic dissection. Last evaluated: 2023-12-05. Review status: criteria provided, single submitter. Criteria: Ambry Variant Classification Scheme 2023. Collection method: clinical testing. Allele origin: germline.
Comment: The c.10_11delAT variant, located in coding exon 1 of the SMAD4 gene, results from a deletion of two nucleotides at nucleotide positions 10 to 11, causing a translational frameshift with a predicted alternate stop codon (p.M4Vfs*9). The predicted stop codon occurs in the 5&rsquo; end of theSMAD4 gene. Premature termination codons in the 5&rsquo; end of a gene have been reported to escape nonsense-mediated mRNAdecay and/or lead to re-initiation (Rivas et al. Science. 2015 May 8;348(6235):666-9; Lindeboom et al. Nat Genet. 2016 Oct;48(10):1112-8; Rhee et al. Sci Rep. 2017 May 10;7(1):1653). The exact functional effect of this alteration is unknown. Since supporting evidence is limited at this time, the clinical significance of this alteration remains unclear.

GeneDx
Classification: Likely pathogenic. Last evaluated: 2017-02-13. Review status: criteria provided, single submitter. Criteria: GeneDx Variant Classification (06012015). Collection method: clinical testing. Allele origin: germline. Affected: yes.
Comment: This deletion of two nucleotides in SMAD4 is denoted c.10_11delAT at the cDNA level and p.Met4ValfsX9 (M4VfsX9) at the protein level. The normal sequence, with the bases that are deleted in brackets, is CAAT[delAT]GTCT. The deletion causes a frameshift which changes a Methionine to a Valine at codon 4, and creates a premature stop codon at position 9 of the new reading frame. Although this variant has not, to our knowledge, been reported in the literature, it is predicted to cause loss of normal protein function through either protein truncation or nonsense-mediated mRNA decay. Based on the currently available information, we consider this deletion to be a likely pathogenic variant.